The following is an entry in ClinVar:

NM_001282933.2(ZNF341):c.955G>T (p.Ala319Ser)

Gene: ZNF341 (zinc finger protein 341; plus strand). Cytogenetic location: 20q11.22.
Variant type: single nucleotide variant.
Coding change: c.955G>T on transcript NM_001282933.2 (MANE Select); coding-DNA position 955, G replaced by T.
Protein change: p.Ala319Ser; replaces alanine 319 with serine.
Molecular consequence: missense variant. On other transcripts: non-coding transcript variant (1).
Genome position (GRCh38, 1-based): chr20:33,758,733, G>T. VCF-style: chr20-33758733-G-T. GRCh37 (hg19) VCF-style: chr20-32346539-G-T.
Other names: c.685G>T, p.Ala229Ser (NM_001282935.2); c.934G>T, p.Ala312Ser (NM_032819.5); short protein forms A229S, A312S, A319S.
Identifiers: ClinVar variation 3712499 (VCV003712499.1).
Genomic context (GRCh38, chr20:33,758,733, plus strand): 5'-GCACCCCCAGCCTCATTGTCCCCTCCTTCCACTTGTCTTTCAGCTGCAGGGAAGCCAAAG[G>T]CTCAGAAACTCAAGTGCTCATACTGTGACAAGTCATTCACCAAAAACTTTGACCTGCAGC-3'
Protein context (NP_001269862.1, residues 309-329): GLPEAAGKPK[Ala319Ser]QKLKCSYCDK

ClinVar aggregate classification (germline): Uncertain significance (1 of 4 stars; one submission).

gnomAD v4.1: 16 of 1,613,644 alleles (0.00099%); highest among the groups gnomAD compares: African/African-American, 0.011%; no homozygotes.

Submission:

Labcorp Genetics (formerly Invitae), Labcorp
Classification: Uncertain significance. Last evaluated: 2024-12-12. Review status: criteria provided, single submitter. Criteria: Invitae Variant Classification Sherloc (09022015). Collection method: clinical testing. Allele origin: germline.
Comment: This sequence change replaces alanine, which is neutral and non-polar, with serine, which is neutral and polar, at codon 312 of the ZNF341 protein (p.Ala312Ser). This variant is present in population databases (rs140542174, gnomAD 0.01%). This variant has not been reported in the literature in individuals affected with ZNF341-related conditions. An algorithm developed to predict the effect of missense changes on protein structure and function (PolyPhen-2) suggests that this variant¬†is likely to be tolerated. In summary, the available evidence is currently insufficient to determine the role of this variant in disease. Therefore, it has been classified as a Variant of Uncertain Significance.